The following is an entry in ClinVar:

NM_002661.5(PLCG2):c.3527A>G (p.Glu1176Gly)

Gene: PLCG2 (phospholipase C gamma 2; plus strand). Cytogenetic location: 16q23.3.
Variant type: single nucleotide variant.
Coding change: c.3527A>G on transcript NM_002661.5 (MANE Select); coding-DNA position 3527, A replaced by G.
Protein change: p.Glu1176Gly; replaces glutamic acid 1176 with glycine.
Molecular consequence: missense variant.
Genome position (GRCh38, 1-based): chr16:81,946,220, A>G. VCF-style: chr16-81946220-A-G. GRCh37 (hg19) VCF-style: chr16-81979825-A-G.
Other names: short protein forms E1176G.
Identifiers: ClinVar variation 2672657 (VCV002672657.23), dbSNP rs2507788748, ClinGen allele CA396909780.

ClinVar aggregate classification (germline): Uncertain significance (1 of 4 stars; one submission).

Submission:

CeGaT Center for Human Genetics Tuebingen
Classification: Uncertain significance. Last evaluated: 2023-11-01. Review status: criteria provided, single submitter. Criteria: CeGaT Center For Human Genetics Tuebingen Variant Classification Criteria Version 2. Collection method: clinical testing. Allele origin: germline. Affected: yes. Observed: 1 variant allele.
Comment: PLCG2: PM2